The following is an entry in ClinVar:

NM_001164665.2(KIAA1549):c.5717C>G (p.Pro1906Arg)

Gene: KIAA1549 (KIAA1549; minus strand). Cytogenetic location: 7q34.
Variant type: single nucleotide variant.
Coding change: c.5717C>G on transcript NM_001164665.2 (MANE Select); coding-DNA position 5717, C replaced by G.
Protein change: p.Pro1906Arg; replaces proline 1906 with arginine.
Molecular consequence: missense variant.
Genome position (GRCh38, 1-based): chr7:138,838,042, G>C on the plus strand (C>G on the coding strand, the complement: KIAA1549 is on the minus strand). VCF-style: chr7-138838042-G-C. GRCh37 (hg19) VCF-style: chr7-138522787-G-C.
Other names: c.5669C>G, p.Pro1890Arg (NM_020910.3); short protein forms P1906R, P1890R.
Identifiers: ClinVar variation 839836 (VCV000839836.11), dbSNP rs199760888, ClinGen allele CA4505481.

ClinVar aggregate classification (germline): Uncertain significance. Review status: criteria provided, multiple submitters, no conflicts (2 of 4 stars). 4 submissions from 4 submitters: Uncertain significance (3). 1 of the submissions does not count toward it. Last evaluated 2025-08-27.

Conditions:
Inborn genetic diseases. Identifiers: MedGen C0950123, MeSH D030342.
Retinal dystrophy. Also called: Inherited retinal dystrophy. Identifiers: Orphanet 71862, MedGen C0854723, MeSH D058499, MONDO:0019118, HP:0000556.

Allele frequency attached by ClinVar (database versions not stated): ESP Exome Variant Server 0.00017; gnomAD exomes 0.00017; gnomAD 0.00018 and 0.00019; TOPMed 0.00018; ExAC 0.00024.
gnomAD v4.1: 617 of 1,604,020 alleles (0.038%); highest among the groups gnomAD compares: Non-Finnish European, 0.051%; no homozygotes.

Submissions (4):

Ambry Genetics
Classification: Uncertain significance for Inborn genetic diseases. Last evaluated: 2025-08-27. Review status: criteria provided, single submitter. Criteria: Ambry Variant Classification Scheme 2023. Collection method: clinical testing. Allele origin: germline.

Labcorp Genetics (formerly Invitae), Labcorp
Classification: Uncertain significance. Last evaluated: 2024-12-02. Review status: criteria provided, single submitter. Criteria: Invitae Variant Classification Sherloc (09022015). Collection method: clinical testing. Allele origin: germline.
Comment: This sequence change replaces proline, which is neutral and non-polar, with arginine, which is basic and polar, at codon 1906 of the KIAA1549 protein (p.Pro1906Arg). This variant is present in population databases (rs199760888, gnomAD 0.03%). This missense change has been observed in individual(s) with clinical features of retinitis pigmentosa (internal data). ClinVar contains an entry for this variant (Variation ID: 839836). An algorithm developed to predict the effect of missense changes on protein structure and function (PolyPhen-2) suggests that this variant is likely to be disruptive. In summary, the available evidence is currently insufficient to determine the role of this variant in disease. Therefore, it has been classified as a Variant of Uncertain Significance.

Blueprint Genetics
Classification: Uncertain significance. Last evaluated: 2024-10-17. Review status: criteria provided, single submitter. Criteria: ACMG Guidelines, 2015. Collection method: clinical testing. Allele origin: germline.

Institute of Human Genetics, Univ. Regensburg, Univ. Regensburg
Classification: Uncertain significance for Retinal dystrophy. Last evaluated: 2022-01-01. Review status: no assertion criteria provided. Criteria: ACMG Guidelines, 2015. Collection method: clinical testing. Allele origin: germline. Affected: yes. Not counted in ClinVar's aggregate classification.